The following is an entry in ClinVar:

NM_001267550.2(TTN):c.96824T>C (p.Phe32275Ser)

Genes: TTN (titin; minus strand), TTN-AS1 (TTN antisense RNA 1; plus strand), LOC126806421 (CDK7 strongly-dependent group 2 enhancer GRCh37_chr2:179407630-179408829; plus strand). Cytogenetic location: 2q31.2.
Variant type: single nucleotide variant.
Coding change: c.96824T>C on transcript NM_001267550.2 (MANE Select); coding-DNA position 96824, T replaced by C.
Protein change: p.Phe32275Ser; replaces phenylalanine 32275 with serine.
Molecular consequence: missense variant.
Genome position (GRCh38, 1-based): chr2:178,543,149, A>G on the plus strand (T>C on the coding strand, the complement: TTN is on the minus strand). VCF-style: chr2-178543149-A-G. GRCh37 (hg19) VCF-style: chr2-179407876-A-G.
Other names: c.91901T>C, p.Phe30634Ser (NM_001256850.1); c.69629T>C, p.Phe23210Ser (NM_003319.4); c.89120T>C, p.Phe29707Ser (NM_133378.4); c.70004T>C, p.Phe23335Ser (NM_133432.3); c.70205T>C, p.Phe23402Ser (NM_133437.4); short protein forms F23335S, F29707S, F30634S, F32275S, F23402S, F23210S.
Identifiers: ClinVar variation 681028 (VCV000681028.1), dbSNP rs1559119971, ClinGen allele CA349445203.

ClinVar aggregate classification (germline): Likely benign (1 of 4 stars; one submission).

Allele frequency attached by ClinVar (database versions not stated): gnomAD exomes below 0.00001 and 0.00001; gnomAD 0.00001.
gnomAD v4.1: 23 of 1,612,820 alleles (0.0014%); highest among the groups gnomAD compares: Non-Finnish European, 0.0019%; no homozygotes.

Submission:

GeneDx
Classification: Likely benign. Last evaluated: 2018-03-20. Review status: criteria provided, single submitter. Criteria: GeneDx Variant Classification (06012015). Collection method: clinical testing. Allele origin: germline. Affected: yes.
Comment: This variant is considered likely benign or benign based on one or more of the following criteria: it is a conservative change, it occurs at a poorly conserved position in the protein, it is predicted to be benign by multiple in silico algorithms, and/or has population frequency not consistent with disease.